The following is an entry in ClinVar:

ClinVar aggregate classification (germline): Uncertain significance (1 of 4 stars; one submission).

Conditions:
Pulmonary fibrosis and/or bone marrow failure, Telomere-related, 4. Also called: PULMONARY FIBROSIS AND/OR BONE MARROW FAILURE SYNDROME, TELOMERE-RELATED, 4. Identifiers: Orphanet 2032, MedGen C4225347, MONDO:0014612, OMIM 616371.
Dyskeratosis congenita, autosomal recessive 6 (DKCB6). Identifiers: MedGen C4225356, MONDO:0014600, OMIM 616353.

Submission:

Labcorp Genetics (formerly Invitae), Labcorp
Classification: Uncertain significance for Dyskeratosis congenita, autosomal recessive 6; Pulmonary fibrosis and/or bone marrow failure, Telomere-related, 4. Last evaluated: 2025-10-06. Review status: criteria provided, single submitter. Criteria: Invitae Variant Classification Sherloc (09022015). Collection method: clinical testing. Allele origin: germline.
Comment: This sequence change replaces proline, which is neutral and non-polar, with threonine, which is neutral and polar, at codon 102 of the PARN protein (p.Pro102Thr). This variant is not present in population databases (gnomAD no frequency). This variant has not been reported in the literature in individuals affected with PARN-related conditions. Invitae Evidence Modeling of protein sequence and biophysical properties (such as structural, functional, and spatial information, amino acid conservation, physicochemical variation, residue mobility, and thermodynamic stability) indicates that this missense variant is not expected to disrupt PARN protein function with a negative predictive value of 80%. In summary, the available evidence is currently insufficient to determine the role of this variant in disease. Therefore, it has been classified as a Variant of Uncertain Significance.

NM_002582.4(PARN):c.304C>A (p.Pro102Thr)

Gene: PARN (poly(A)-specific ribonuclease; minus strand). Cytogenetic location: 16p13.12.
Variant type: single nucleotide variant.
Coding change: c.304C>A on transcript NM_002582.4 (MANE Select); coding-DNA position 304, C replaced by A.
Protein change: p.Pro102Thr; replaces proline 102 with threonine.
Molecular consequence: missense variant.
Genome position (GRCh38, 1-based): chr16:14,627,129, G>T on the plus strand (C>A on the coding strand, the complement: PARN is on the minus strand). VCF-style: chr16-14627129-G-T. GRCh37 (hg19) VCF-style: chr16-14720986-G-T.
Other names: c.166C>A, p.Pro56Thr (NM_001242992.2); c.121C>A, p.Pro41Thr (NM_001134477.3); short protein forms P56T, P102T, P41T.
Identifiers: ClinVar variation 4793185 (VCV004793185.1).